The following is an entry in ClinVar:

ClinVar aggregate classification (germline): Likely benign (1 of 4 stars; one submission).

gnomAD v4.1: 701 of 1,611,654 alleles (0.043%); highest among the groups gnomAD compares: African/African-American, 0.56%; 2 homozygotes.

Submission:

CeGaT Center for Human Genetics Tuebingen
Classification: Likely benign. Last evaluated: 2025-10-01. Review status: criteria provided, single submitter. Criteria: CeGaT Center For Human Genetics Tuebingen Variant Classification Criteria Version 2. Collection method: clinical testing. Allele origin: germline. Affected: yes. Observed: 1 variant allele.
Comment: NLRP7: BP4

NM_001127255.2(NLRP7):c.1237C>T (p.Arg413Trp)

Gene: NLRP7 (NLR family pyrin domain containing 7; minus strand). Cytogenetic location: 19q13.42.
Variant type: single nucleotide variant.
Coding change: c.1237C>T on transcript NM_001127255.2 (MANE Select); coding-DNA position 1237, C replaced by T.
Protein change: p.Arg413Trp; replaces arginine 413 with tryptophan.
Molecular consequence: missense variant.
Genome position (GRCh38, 1-based): chr19:54,939,582, G>A on the plus strand (C>T on the coding strand, the complement: NLRP7 is on the minus strand). VCF-style: chr19-54939582-G-A. GRCh37 (hg19) VCF-style: chr19-55450950-G-A.
Other names: c.1237C>T, p.Arg413Trp (NM_001405531.1, NM_139176.4, NM_206828.4); short protein forms R413W.
Identifiers: ClinVar variation 4533641 (VCV004533641.6).